The following is an entry in ClinVar:

NM_000890.5(KCNJ5):c.1180C>A (p.Leu394Met)

Gene: KCNJ5 (potassium inwardly rectifying channel subfamily J member 5; plus strand). Cytogenetic location: 11q24.3.
Variant type: single nucleotide variant.
Coding change: c.1180C>A on transcript NM_000890.5 (MANE Select); coding-DNA position 1180, C replaced by A.
Protein change: p.Leu394Met; replaces leucine 394 with methionine.
Molecular consequence: missense variant.
Genome position (GRCh38, 1-based): chr11:128,916,651, C>A. VCF-style: chr11-128916651-C-A. GRCh37 (hg19) VCF-style: chr11-128786546-C-A.
Other names: c.1180C>A, p.Leu394Met (NM_001354169.2); short protein forms L394M.
Identifiers: ClinVar variation 2719555 (VCV002719555.3), dbSNP rs757787474, ClinGen allele CA6358015.

ClinVar aggregate classification (germline): Uncertain significance (1 of 4 stars; one submission).

Conditions:
Long QT syndrome (LQTS). Identifiers: MedGen C0023976, MeSH D008133, MONDO:0002442. Disease mechanism: loss of function. Inheritance: Various modes of inheritance.

Allele frequency attached by ClinVar (database versions not stated): gnomAD exomes below 0.00001; ExAC 0.00001.
gnomAD v4.1: 6 of 1,613,224 alleles (0.00037%); highest among the groups gnomAD compares: Admixed American, 0.0067%; no homozygotes.

Submission:

Labcorp Genetics (formerly Invitae), Labcorp
Classification: Uncertain significance for Long QT syndrome. Last evaluated: 2023-11-24. Review status: criteria provided, single submitter. Criteria: Invitae Variant Classification Sherloc (09022015). Collection method: clinical testing. Allele origin: germline.
Comment: This sequence change replaces leucine, which is neutral and non-polar, with methionine, which is neutral and non-polar, at codon 394 of the KCNJ5 protein (p.Leu394Met). This variant is present in population databases (rs757787474, gnomAD 0.006%). This variant has not been reported in the literature in individuals affected with KCNJ5-related conditions. Advanced modeling of protein sequence and biophysical properties (such as structural, functional, and spatial information, amino acid conservation, physicochemical variation, residue mobility, and thermodynamic stability) performed at Invitae indicates that this missense variant is not expected to disrupt KCNJ5 protein function with a negative predictive value of 95%. In summary, the available evidence is currently insufficient to determine the role of this variant in disease. Therefore, it has been classified as a Variant of Uncertain Significance.